The following is an entry in ClinVar:

ClinVar aggregate classification (germline): Uncertain significance. Review status: criteria provided, multiple submitters, no conflicts (2 of 4 stars). 2 submissions from 2 submitters: Uncertain significance (2). Last evaluated 2025-09-12.

Conditions:
Hereditary cancer-predisposing syndrome. Also called: Hereditary neoplastic syndrome; Tumor predisposition; Neoplastic Syndromes, Hereditary; Hereditary Cancer Syndrome. Identifiers: Orphanet 140162, MedGen C0027672, MeSH D009386, MONDO:0015356.

Submissions (2):

Ambry Genetics
Classification: Uncertain significance for Hereditary cancer-predisposing syndrome. Last evaluated: 2025-09-12. Review status: criteria provided, single submitter. Criteria: Ambry Variant Classification Scheme 2023. Collection method: clinical testing. Allele origin: germline.
Comment: The p.I87T variant (also known as c.260T>C), located in coding exon 3 of the POLE gene, results from a T to C substitution at nucleotide position 260. The isoleucine at codon 87 is replaced by threonine, an amino acid with similar properties. This amino acid position is conserved. In addition, the in silico prediction for this alteration is inconclusive. Since supporting evidence is limited at this time, the clinical significance of this alteration remains unclear.

Labcorp Genetics (formerly Invitae), Labcorp
Classification: Uncertain significance. Last evaluated: 2024-12-24. Review status: criteria provided, single submitter. Criteria: Invitae Variant Classification Sherloc (09022015). Collection method: clinical testing. Allele origin: germline.
Comment: This sequence change replaces isoleucine, which is neutral and non-polar, with threonine, which is neutral and polar, at codon 87 of the POLE protein (p.Ile87Thr). This variant is not present in population databases (gnomAD no frequency). This variant has not been reported in the literature in individuals affected with POLE-related conditions. ClinVar contains an entry for this variant (Variation ID: 569371). Invitae Evidence Modeling of protein sequence and biophysical properties (such as structural, functional, and spatial information, amino acid conservation, physicochemical variation, residue mobility, and thermodynamic stability) indicates that this missense variant is not expected to disrupt POLE protein function with a negative predictive value of 80%. In summary, the available evidence is currently insufficient to determine the role of this variant in disease. Therefore, it has been classified as a Variant of Uncertain Significance.

NM_006231.4(POLE):c.260T>C (p.Ile87Thr)

Gene: POLE (DNA polymerase epsilon, catalytic subunit; minus strand). Cytogenetic location: 12q24.33.
Variant type: single nucleotide variant.
Coding change: c.260T>C on transcript NM_006231.4 (MANE Select); coding-DNA position 260, T replaced by C.
Protein change: p.Ile87Thr; replaces isoleucine 87 with threonine.
Molecular consequence: missense variant.
Genome position (GRCh38, 1-based): chr12:132,680,632, A>G on the plus strand (T>C on the coding strand, the complement: POLE is on the minus strand). VCF-style: chr12-132680632-A-G. GRCh37 (hg19) VCF-style: chr12-133257218-A-G.
Other names: short protein forms I87T.
Identifiers: ClinVar variation 569371 (VCV000569371.12), dbSNP rs1565980997, ClinGen allele CA387369107.